The following is an entry in ClinVar:

ClinVar aggregate classification (germline): Conflicting classifications of pathogenicity. Review status: criteria provided, conflicting classifications (1 of 4 stars). 2 submissions from 2 submitters: Uncertain significance (1); Likely benign (1). Last evaluated 2026-02-01.

gnomAD v4.1: 114 of 1,614,146 alleles (0.0071%); highest among the groups gnomAD compares: Non-Finnish European, 0.0089%; no homozygotes.

Submissions (2):

CeGaT Center for Human Genetics Tuebingen
Classification: Likely benign. Last evaluated: 2026-02-01. Review status: criteria provided, single submitter. Criteria: CeGaT Center For Human Genetics Tuebingen Variant Classification Criteria Version 2. Collection method: clinical testing. Allele origin: germline. Affected: yes. Observed: 1 variant allele.
Comment: ARHGEF10: BP4

Labcorp Genetics (formerly Invitae), Labcorp
Classification: Uncertain significance. Last evaluated: 2025-08-24. Review status: criteria provided, single submitter. Criteria: Invitae Variant Classification Sherloc (09022015). Collection method: clinical testing. Allele origin: germline.
Comment: This sequence change replaces leucine, which is neutral and non-polar, with valine, which is neutral and non-polar, at codon 698 of the ARHGEF10 protein (p.Leu698Val). This variant is present in population databases (rs141968995, gnomAD 0.006%). This variant has not been reported in the literature in individuals affected with ARHGEF10-related conditions. ClinVar contains an entry for this variant (Variation ID: 3624039). Invitae Evidence Modeling of protein sequence and biophysical properties (such as structural, functional, and spatial information, amino acid conservation, physicochemical variation, residue mobility, and thermodynamic stability) indicates that this missense variant is not expected to disrupt ARHGEF10 protein function with a negative predictive value of 80%. In summary, the available evidence is currently insufficient to determine the role of this variant in disease. Therefore, it has been classified as a Variant of Uncertain Significance.

NM_014629.4(ARHGEF10):c.2092C>G (p.Leu698Val)

Gene: ARHGEF10 (Rho guanine nucleotide exchange factor 10; plus strand). Cytogenetic location: 8p23.3.
Variant type: single nucleotide variant.
Coding change: c.2092C>G on transcript NM_014629.4 (MANE Select); coding-DNA position 2092, C replaced by G.
Protein change: p.Leu698Val; replaces leucine 698 with valine.
Molecular consequence: missense variant.
Genome position (GRCh38, 1-based): chr8:1,909,419, C>G. VCF-style: chr8-1909419-C-G. GRCh37 (hg19) VCF-style: chr8-1857585-C-G.
Other names: c.1978C>G, p.Leu660Val (NM_001308152.2); c.2092C>G, p.Leu698Val (NM_001308153.3); short protein forms L660V, L698V, L722V.
Identifiers: ClinVar variation 3624039 (VCV003624039.6).